The following is an entry in ClinVar:

NM_205768.3(ZBTB18):c.1382A>G (p.Asn461Ser)

Gene: ZBTB18 (zinc finger and BTB domain containing 18; plus strand). Cytogenetic location: 1q44.
Variant type: single nucleotide variant.
Coding change: c.1382A>G on transcript NM_205768.3 (MANE Select); coding-DNA position 1382, A replaced by G.
Protein change: p.Asn461Ser; replaces asparagine 461 with serine.
Molecular consequence: missense variant.
Genome position (GRCh38, 1-based): chr1:244,055,156, A>G. VCF-style: chr1-244055156-A-G. GRCh37 (hg19) VCF-style: chr1-244218458-A-G.
Other names: c.1355A>G, p.Asn452Ser (NM_001278196.2, NM_006352.5); short protein forms N461S, N452S.
Identifiers: ClinVar variation 208690 (VCV000208690.8), dbSNP rs797044885, ClinGen allele CA204690.

ClinVar aggregate classification (germline): Pathogenic. Review status: criteria provided, multiple submitters, no conflicts (2 of 4 stars). 4 submissions from 4 submitters: Pathogenic (3). 1 of the submissions does not count toward it. Last evaluated 2023-09-05.

Conditions:
Inborn genetic diseases. Identifiers: MedGen C0950123, MeSH D030342.
Intellectual developmental disorder, autosomal dominant 22. Also called: Intellectual disability, autosomal dominant 22. Identifiers: MedGen CN029689, MONDO:0012869, OMIM 612337.
Intellectual disability. Also called: Intellectual functioning disability; intellectual disabilities; Intellectual developmental disorder. Identifiers: MedGen C3714756, MeSH D008607, MONDO:0001071, HP:0001249.

Submissions (4):

GeneDx
Classification: Pathogenic. Last evaluated: 2023-09-05. Review status: criteria provided, single submitter. Criteria: GeneDx Variant Classification Process June 2021. Collection method: clinical testing. Allele origin: germline. Affected: yes.
Comment: Published functional studies demonstrate a damaging effect with impaired transcriptional repression (Hemming et al., 2019); Not observed at significant frequency in large population cohorts (gnomAD); This variant is associated with the following publications: (PMID: 27513193, 35083747, 37525067, 32959890, 27598823, 28345786, 25131622, 28688840, 31112317)

Cytogénomique, Hospices Civils de Lyon
Classification: Pathogenic for Intellectual disability. Last evaluated: 2020-07-20. Review status: criteria provided, single submitter. Criteria: ACMG Guidelines, 2015. Collection method: clinical testing. Allele origin: de novo. Inheritance: Sporadic. Affected: yes. Observed: 1 variant allele, 1 heterozygote.
Comment: de novo missense variant preiously reported, affecting the ZF domain.

Ambry Genetics
Classification: Pathogenic for Inborn genetic diseases. Last evaluated: 2016-06-01. Review status: criteria provided, single submitter. Criteria: Ambry exome assertion method (8-5-2015). Collection method: clinical testing. Allele origin: germline. Affected: yes. Observed: 1 variant allele.

OMIM
Classification: Pathogenic for INTELLECTUAL DEVELOPMENTAL DISORDER, AUTOSOMAL DOMINANT 22. Last evaluated: 2022-04-05. Review status: no assertion criteria provided. Collection method: literature only. Allele origin: germline. Not counted in ClinVar's aggregate classification.

Literature cited by the submitters: PubMed 27598823 (cited by OMIM).